The following is an entry in ClinVar:

NM_018838.5(NDUFA12):c.379T>C (p.Tyr127His)

Gene: NDUFA12 (NADH:ubiquinone oxidoreductase subunit A12; minus strand). Cytogenetic location: 12q22.
Variant type: single nucleotide variant.
Coding change: c.379T>C on transcript NM_018838.5 (MANE Select); coding-DNA position 379, T replaced by C.
Protein change: p.Tyr127His; replaces tyrosine 127 with histidine.
Molecular consequence: missense variant. On other transcripts: 3 prime UTR variant (1).
Genome position (GRCh38, 1-based): chr12:94,971,499, A>G on the plus strand (T>C on the coding strand, the complement: NDUFA12 is on the minus strand). VCF-style: chr12-94971499-A-G. GRCh37 (hg19) VCF-style: chr12-95365275-A-G.
Other names: c.*99T>C (NM_001258338.2); short protein forms Y127H.
Identifiers: ClinVar variation 2110895 (VCV002110895.4), dbSNP rs2499471228, ClinGen allele CA386147882.

ClinVar aggregate classification (germline): Uncertain significance (1 of 4 stars; one submission).

Submission:

Labcorp Genetics (formerly Invitae), Labcorp
Classification: Uncertain significance. Last evaluated: 2022-03-13. Review status: criteria provided, single submitter. Criteria: Invitae Variant Classification Sherloc (09022015). Collection method: clinical testing. Allele origin: germline.
Comment: In summary, the available evidence is currently insufficient to determine the role of this variant in disease. Therefore, it has been classified as a Variant of Uncertain Significance. Algorithms developed to predict the effect of missense changes on protein structure and function (SIFT, PolyPhen-2, Align-GVGD) all suggest that this variant is likely to be disruptive. This variant has not been reported in the literature in individuals affected with NDUFA12-related conditions. This variant is not present in population databases (gnomAD no frequency). This sequence change replaces tyrosine, which is neutral and polar, with histidine, which is basic and polar, at codon 127 of the NDUFA12 protein (p.Tyr127His).